The following is an entry in ClinVar:

NM_001853.4(COL9A3):c.781C>T (p.Pro261Ser)

Gene: COL9A3 (collagen type IX alpha 3 chain; plus strand). Cytogenetic location: 20q13.33.
Variant type: single nucleotide variant.
Coding change: c.781C>T on transcript NM_001853.4 (MANE Select); coding-DNA position 781, C replaced by T.
Protein change: p.Pro261Ser; replaces proline 261 with serine.
Molecular consequence: missense variant.
Genome position (GRCh38, 1-based): chr20:62,826,809, C>T. VCF-style: chr20-62826809-C-T. GRCh37 (hg19) VCF-style: chr20-61458161-C-T.
Other names: c.781C>T (NM_001853.3); short protein forms P261S.
Identifiers: ClinVar variation 1905831 (VCV001905831.8), dbSNP rs754643218, ClinGen allele CA9949495.
Genomic context (GRCh38, chr20:62,826,809, plus strand): 5'-CCCCTCTCTCCTCTGCAGGGTCCCATTGGGTTCCGAGGGCCGCCTGGGATCCCAGGAGCG[C>T]CTGGGAAAGCGGTACGTGTGTCAGTGGACGGTGGGCGCCATGCCTCGTGACCTCTCTCCC-3'
Protein context (NP_001844.3, residues 251-271): FRGPPGIPGA[Pro261Ser]GKAGDRGERG

ClinVar aggregate classification (germline): Uncertain significance. Review status: criteria provided, multiple submitters, no conflicts (2 of 4 stars). 3 submissions from 3 submitters: Uncertain significance (3). Last evaluated 2025-09-09.

Allele frequency attached by ClinVar (database versions not stated): TOPMed below 0.00001; gnomAD 0.00001; gnomAD exomes 0.00002; ExAC 0.00003.

Submissions (3):

Labcorp Genetics (formerly Invitae), Labcorp
Classification: Uncertain significance. Last evaluated: 2025-09-09. Review status: criteria provided, single submitter. Criteria: Invitae Variant Classification Sherloc (09022015). Collection method: clinical testing. Allele origin: germline.
Comment: This sequence change replaces proline, which is neutral and non-polar, with serine, which is neutral and polar, at codon 261 of the COL9A3 protein (p.Pro261Ser). This variant is present in population databases (rs754643218, gnomAD 0.003%). This variant has not been reported in the literature in individuals affected with COL9A3-related conditions. ClinVar contains an entry for this variant (Variation ID: 1905831). Invitae Evidence Modeling of protein sequence and biophysical properties (such as structural, functional, and spatial information, amino acid conservation, physicochemical variation, residue mobility, and thermodynamic stability) indicates that this missense variant is not expected to disrupt COL9A3 protein function with a negative predictive value of 95%. In summary, the available evidence is currently insufficient to determine the role of this variant in disease. Therefore, it has been classified as a Variant of Uncertain Significance.

Blueprint Genetics
Classification: Uncertain significance. Last evaluated: 2024-10-28. Review status: criteria provided, single submitter. Criteria: ACMG Guidelines, 2015. Collection method: clinical testing. Allele origin: germline.

GeneDx
Classification: Uncertain significance. Last evaluated: 2024-02-29. Review status: criteria provided, single submitter. Criteria: GeneDx Variant Classification Process June 2021. Collection method: clinical testing. Allele origin: germline.
Comment: Not observed at significant frequency in large population cohorts (gnomAD); In silico analysis supports that this missense variant does not alter protein structure/function; Has not been previously published as pathogenic or benign to our knowledge